The following is an entry in ClinVar:

ClinVar aggregate classification (germline): Uncertain significance (1 of 4 stars; one submission).

Allele frequency attached by ClinVar (database versions not stated): gnomAD exomes 0.00001; ExAC 0.00002; gnomAD 0.00002.
gnomAD v4.1: 24 of 1,613,310 alleles (0.0015%); highest among the groups gnomAD compares: South Asian, 0.026%; no homozygotes.

Submission:

Labcorp Genetics (formerly Invitae), Labcorp
Classification: Uncertain significance. Last evaluated: 2023-07-18. Review status: criteria provided, single submitter. Criteria: Invitae Variant Classification Sherloc (09022015). Collection method: clinical testing. Allele origin: germline.
Comment: In summary, the available evidence is currently insufficient to determine the role of this variant in disease. Therefore, it has been classified as a Variant of Uncertain Significance. An algorithm developed to predict the effect of missense changes on protein structure and function (PolyPhen-2) suggests that this variant is likely to be disruptive. This variant has not been reported in the literature in individuals affected with ATRN-related conditions. This variant is present in population databases (rs779103251, gnomAD 0.02%). This sequence change replaces proline, which is neutral and non-polar, with serine, which is neutral and polar, at codon 662 of the ATRN protein (p.Pro662Ser).

NM_139321.3(ATRN):c.1984C>T (p.Pro662Ser)

Gene: ATRN (attractin; plus strand). Cytogenetic location: 20p13.
Variant type: single nucleotide variant.
Coding change: c.1984C>T on transcript NM_139321.3 (MANE Select); coding-DNA position 1984, C replaced by T.
Protein change: p.Pro662Ser; replaces proline 662 with serine.
Molecular consequence: missense variant.
Genome position (GRCh38, 1-based): chr20:3,572,843, C>T. VCF-style: chr20-3572843-C-T. GRCh37 (hg19) VCF-style: chr20-3553490-C-T.
Other names: c.1636C>T, p.Pro546Ser (NM_001207047.3); c.1984C>T, p.Pro662Ser (NM_001323332.2, NM_139322.4); short protein forms P546S, P662S.
Identifiers: ClinVar variation 3000307 (VCV003000307.3), dbSNP rs779103251, ClinGen allele CA9744196.